The following is an entry in ClinVar:

NM_001256857.1(USP17L17):c.306G>A (p.Pro102=)

Gene: USP17L17 (ubiquitin specific peptidase 17 like family member 17; plus strand). Cytogenetic location: 4p16.1.
Variant type: single nucleotide variant.
Coding change: c.306G>A on transcript NM_001256857.1 (MANE Select); coding-DNA position 306, G replaced by A.
Protein change: p.Pro102=; no amino-acid change (proline 102 retained).
Molecular consequence: synonymous variant.
Genome position (GRCh38, 1-based): chr4:9,244,184, G>A. VCF-style: chr4-9244184-G-A. GRCh37 (hg19) VCF-style: chr4-9245910-G-A.
Identifiers: ClinVar variation 3388407 (VCV003388407.14).

ClinVar aggregate classification (germline): Likely benign (1 of 4 stars; one submission).

Submission:

CeGaT Center for Human Genetics Tuebingen
Classification: Likely benign. Last evaluated: 2026-05-01. Review status: criteria provided, single submitter. Criteria: CeGaT Center For Human Genetics Tuebingen Variant Classification Criteria Version 2. Collection method: clinical testing. Allele origin: germline. Affected: yes. Observed: 3 variant alleles.
Comment: USP17L17: BP4, BP7